The following is an entry in ClinVar:

ClinVar aggregate classification (germline): Pathogenic. Review status: criteria provided, multiple submitters, no conflicts (2 of 4 stars). 2 submissions from 2 submitters: Pathogenic (2). Last evaluated 2025-08-25.

Conditions:
Hermansky-Pudlak syndrome 1 (HPS1). Also called: DELTA STORAGE POOL DISEASE. Identifiers: Orphanet 231500, Orphanet 79430, MedGen C2931875, MONDO:0008748, OMIM 203300.

Allele frequency attached by ClinVar (database versions not stated): TOPMed below 0.00001; gnomAD 0.00001.

Submissions (2):

Myriad Genetics, Inc.
Classification: Pathogenic for Hermansky-Pudlak syndrome 1. Last evaluated: 2025-08-25. Review status: criteria provided, single submitter. Criteria: Myriad Autosomal Dominant, Autosomal Recessive and X-Linked Classification Criteria (2023). Collection method: clinical testing. Allele origin: unknown.
Comment: NM_000195.3(HPS1):c.1125G>A(W375*) is expected to be pathogenic in the context of Hermansky-Pudlak syndrome, HPS1-related. This variant is predicted to lead to an abnormal or absent protein product due to the creation of a premature termination codon in HPS1, a gene where loss-of-function variants are known to be pathogenic. Please note: this variant was assessed in the context of healthy population screening.

Labcorp Genetics (formerly Invitae), Labcorp
Classification: Pathogenic. Last evaluated: 2023-06-20. Review status: criteria provided, single submitter. Criteria: Invitae Variant Classification Sherloc (09022015). Collection method: clinical testing. Allele origin: germline.
Comment: For these reasons, this variant has been classified as Pathogenic. This variant has not been reported in the literature in individuals affected with HPS1-related conditions. This variant is not present in population databases (gnomAD no frequency). This sequence change creates a premature translational stop signal (p.Trp375*) in the HPS1 gene. It is expected to result in an absent or disrupted protein product. Loss-of-function variants in HPS1 are known to be pathogenic (PMID: 12442288, 16185271).

Literature cited by the submitters: PubMed 12442288 (cited by Labcorp Genetics (formerly Invitae), Labcorp); PubMed 16185271 (cited by Labcorp Genetics (formerly Invitae), Labcorp).

NM_000195.5(HPS1):c.1125G>A (p.Trp375Ter)

Gene: HPS1 (HPS1 biogenesis of lysosomal organelles complex 3 subunit 1; minus strand). Cytogenetic location: 10q24.2.
Variant type: single nucleotide variant.
Coding change: c.1125G>A on transcript NM_000195.5 (MANE Select); coding-DNA position 1125, G replaced by A.
Protein change: p.Trp375Ter; replaces tryptophan 375 with a stop codon.
Molecular consequence: nonsense.
Genome position (GRCh38, 1-based): chr10:98,425,848, C>T on the plus strand (G>A on the coding strand, the complement: HPS1 is on the minus strand). VCF-style: chr10-98425848-C-T. GRCh37 (hg19) VCF-style: chr10-100185605-C-T.
Other names: c.153G>A, p.Trp51Ter (NM_001311345.2, NM_001322487.2, NM_001322489.2); c.1125G>A, p.Trp375Ter (NM_001322476.2, NM_001322477.2); c.1026G>A, p.Trp342Ter (NM_001322478.2, NM_001322479.2); c.864G>A, p.Trp288Ter (NM_001322480.2, NM_001322481.2); c.765G>A, p.Trp255Ter (NM_001322482.2); c.756G>A, p.Trp252Ter (NM_001322483.2, NM_001322484.2); c.657G>A, p.Trp219Ter (NM_001322485.2); short protein forms W252*, W219*, W288*, W51*, W255*, W342*, W375*.
Identifiers: ClinVar variation 3005014 (VCV003005014.4), dbSNP rs1473913549, ClinGen allele CA378048041.